The following is an entry in ClinVar:

ClinVar aggregate classification (germline): Uncertain significance. Review status: criteria provided, multiple submitters, no conflicts (2 of 4 stars). 2 submissions from 2 submitters: Uncertain significance (2). Last evaluated 2024-02-07.

Conditions:
Sotos syndrome (SOTOS). Also called: Sotos' syndrome; Distinctive facial appearance, overgrowth in childhood, and learning disabilities or delayed development; CHROMOSOME 5q35 DELETION SYNDROME; CEREBRAL GIGANTISM; SOTOS SYNDROME 1. Identifiers: Orphanet 821, MedGen C0175695, MONDO:0019349, OMIM 117550.
Inborn genetic diseases. Identifiers: MedGen C0950123, MeSH D030342.

Allele frequency attached by ClinVar (database versions not stated): TOPMed 0.00001.
gnomAD v4.1: 24 of 1,614,088 alleles (0.0015%); highest among the groups gnomAD compares: Non-Finnish European, 0.002%; no homozygotes.

Submissions (2):

Fulgent Genetics
Classification: Uncertain significance for Sotos syndrome. Last evaluated: 2024-02-07. Review status: criteria provided, single submitter. Criteria: ACMG Guidelines, 2015. Collection method: clinical testing. Allele origin: germline.

Ambry Genetics
Classification: Uncertain significance for Inborn genetic diseases. Last evaluated: 2019-10-18. Review status: criteria provided, single submitter. Criteria: Ambry Variant Classification Scheme 2023. Collection method: clinical testing. Allele origin: germline.
Comment: The p.L1148V variant (also known as c.3442C>G), located in coding exon 4 of the NSD1 gene, results from a C to G substitution at nucleotide position 3442. The leucine at codon 1148 is replaced by valine, an amino acid with highly similar properties. This amino acid position is poorly conserved in available vertebrate species. In addition, this alteration is predicted to be tolerated by in silico analysis. Since supporting evidence is limited at this time, the clinical significance of this alteration remains unclear.

NM_022455.5(NSD1):c.3442C>G (p.Leu1148Val)

Gene: NSD1 (nuclear receptor binding SET domain protein 1; plus strand). Cytogenetic location: 5q35.3.
Variant type: single nucleotide variant.
Coding change: c.3442C>G on transcript NM_022455.5 (MANE Select); coding-DNA position 3442, C replaced by G.
Protein change: p.Leu1148Val; replaces leucine 1148 with valine.
Molecular consequence: missense variant.
Genome position (GRCh38, 1-based): chr5:177,211,841, C>G. VCF-style: chr5-177211841-C-G. GRCh37 (hg19) VCF-style: chr5-176638842-C-G.
Other names: c.2689C>G, p.Leu897Val (NM_001409305.1); c.2569C>G, p.Leu857Val (NM_001409306.1, NM_001409307.1, NM_001409308.1 and 3 more transcripts); c.3442C>G, p.Leu1148Val (NM_001409301.1, NM_001409302.1, NM_001409303.1); c.3022C>G, p.Leu1008Val (NM_001409304.1); short protein forms L1148V, L857V, L879V, L897V, L1008V.
Identifiers: ClinVar variation 1731481 (VCV001731481.3), dbSNP rs1418756267, ClinGen allele CA362324652.
Genomic context (GRCh38, chr5:177,211,841, plus strand): 5'-TCTTTTGAAAACGGAAAAGGCCCAGAGCTGGACTCTGTAATGAACAGTGAGAATGATGAA[C>G]TCAATGGTGTAAATCAAGTGGTGCCTAAAAAGCGGTGGCAGCGTTTAAACCAAAGGCGCA-3'
Protein context (NP_071900.2, residues 1138-1158): DSVMNSENDE[Leu1148Val]NGVNQVVPKK